The following is an entry in ClinVar:

ClinVar aggregate classification (germline): Uncertain significance. Review status: criteria provided, multiple submitters, no conflicts (2 of 4 stars). 2 submissions from 2 submitters: Uncertain significance (2). Last evaluated 2024-07-30.

Allele frequency attached by ClinVar (database versions not stated): TOPMed 0.00003.
gnomAD v4.1: 48 of 1,613,394 alleles (0.003%); highest among the groups gnomAD compares: Middle Eastern, 0.033%; no homozygotes.

Submissions (2):

GeneDx
Classification: Uncertain significance. Last evaluated: 2024-07-30. Review status: criteria provided, single submitter. Criteria: GeneDx Variant Classification Process June 2021. Collection method: clinical testing. Allele origin: germline. Affected: yes.
Comment: In silico analysis supports that this missense variant has a deleterious effect on protein structure/function; Has not been previously published as pathogenic or benign to our knowledge

CeGaT Center for Human Genetics Tuebingen
Classification: Uncertain significance. Last evaluated: 2020-07-01. Review status: criteria provided, single submitter. Criteria: CeGaT Center For Human Genetics Tuebingen Variant Classification Criteria Version 2. Collection method: clinical testing. Allele origin: germline. Affected: yes. Observed: 1 variant allele.

NM_001042545.2(LTBP4):c.4160C>T (p.Pro1387Leu)

Gene: LTBP4 (latent transforming growth factor beta binding protein 4; plus strand). Cytogenetic location: 19q13.2.
Variant type: single nucleotide variant.
Coding change: c.4160C>T on transcript NM_001042545.2 (MANE Select); coding-DNA position 4160, C replaced by T.
Protein change: p.Pro1387Leu; replaces proline 1387 with leucine.
Molecular consequence: missense variant.
Genome position (GRCh38, 1-based): chr19:40,627,149, C>T. VCF-style: chr19-40627149-C-T. GRCh37 (hg19) VCF-style: chr19-41133054-C-T.
Other names: c.4361C>T, p.Pro1454Leu (NM_001042544.1); c.4250C>T, p.Pro1417Leu (NM_003573.2); short protein forms P1387L, P1417L, P1454L.
Identifiers: ClinVar variation 1013164 (VCV001013164.39), dbSNP rs190277382, ClinGen allele CA9449244.